The following is an entry in ClinVar:

ClinVar aggregate classification (germline): Uncertain significance. Review status: criteria provided, multiple submitters, no conflicts (2 of 4 stars). 4 submissions from 4 submitters: Uncertain significance (3). 1 of the submissions does not count toward it. Last evaluated 2025-04-20.

Conditions:
Familial cancer of breast. Also called: hereditary breast carcinoma; Hereditary breast cancer; BREAST CANCER, FAMILIAL. Identifiers: Orphanet 227535, MedGen C0346153, MONDO:0016419, OMIM 114480. Disease mechanism: loss of function.
Ataxia-telangiectasia syndrome (AT). Also called: Ataxia-telangiectasia, complementation group D; AT, COMPLEMENTATION GROUP C; ATAXIA-TELANGIECTASIA, FRESNO VARIANT; ATAXIA-TELANGIECTASIA, COMPLEMENTATION GROUP A; Ataxia-telangiectasia, complementation group E; Ataxia telangiectasia (A-T). Identifiers: Orphanet 100, MedGen C0004135, MONDO:0008840, OMIM 208900.
Hereditary cancer-predisposing syndrome. Also called: Neoplastic Syndromes, Hereditary; Hereditary neoplastic syndrome; Hereditary Cancer Syndrome; Tumor predisposition. Identifiers: Orphanet 140162, MedGen C0027672, MeSH D009386, MONDO:0015356.

Submissions (4):

Ambry Genetics
Classification: Uncertain significance for Hereditary cancer-predisposing syndrome. Last evaluated: 2025-04-20. Review status: criteria provided, single submitter. Criteria: Ambry Variant Classification Scheme 2023. Collection method: clinical testing. Allele origin: germline.
Comment: The p.D1790H variant (also known as c.5368G>C), located in coding exon 35 of the ATM gene, results from a G to C substitution at nucleotide position 5368. The aspartic acid at codon 1790 is replaced by histidine, an amino acid with similar properties. This amino acid position is conserved. In addition, the in silico prediction for this alteration is inconclusive. Since supporting evidence is limited at this time, the clinical significance of this alteration remains unclear.

Baylor Genetics
Classification: Uncertain significance for Familial cancer of breast. Last evaluated: 2023-12-19. Review status: criteria provided, single submitter. Criteria: ACMG Guidelines, 2015. Collection method: clinical testing. Allele origin: unknown.

Labcorp Genetics (formerly Invitae), Labcorp
Classification: Uncertain significance for Ataxia-telangiectasia syndrome. Last evaluated: 2021-04-23. Review status: criteria provided, single submitter. Criteria: Invitae Variant Classification Sherloc (09022015). Collection method: clinical testing. Allele origin: germline.
Comment: This variant has not been reported in the literature in individuals with ATM-related conditions. This variant is not present in population databases (ExAC no frequency). This sequence change replaces aspartic acid with histidine at codon 1790 of the ATM protein (p.Asp1790His). The aspartic acid residue is moderately conserved and there is a moderate physicochemical difference between aspartic acid and histidine. In summary, the available evidence is currently insufficient to determine the role of this variant in disease. Therefore, it has been classified as a Variant of Uncertain Significance. Advanced modeling of protein sequence and biophysical properties (such as structural, functional, and spatial information, amino acid conservation, physicochemical variation, residue mobility, and thermodynamic stability) performed at Invitae indicates that this missense variant is not expected to disrupt ATM protein function.

Natera, Inc.
Classification: Uncertain significance for Ataxia-telangiectasia. Last evaluated: 2020-10-16. Review status: no assertion criteria provided. Collection method: clinical testing. Allele origin: germline. Not counted in ClinVar's aggregate classification.

NM_000051.4(ATM):c.5368G>C (p.Asp1790His)

Gene: ATM (ATM serine/threonine kinase; plus strand). Cytogenetic location: 11q22.3.
Variant type: single nucleotide variant.
Coding change: c.5368G>C on transcript NM_000051.4 (MANE Select); coding-DNA position 5368, G replaced by C.
Protein change: p.Asp1790His; replaces aspartic acid 1790 with histidine.
Molecular consequence: missense variant.
Genome position (GRCh38, 1-based): chr11:108,302,901, G>C. VCF-style: chr11-108302901-G-C. GRCh37 (hg19) VCF-style: chr11-108173628-G-C.
Other names: c.5368G>C, p.Asp1790His (NM_001351834.2); c.5368G>C (NM_000051.3); short protein forms D1790H.
Identifiers: ClinVar variation 999935 (VCV000999935.15), dbSNP rs876658890, ClinGen allele CA382543399.
Genomic context (GRCh38, chr11:108,302,901, plus strand): 5'-CTTTCTTTCTAGTTTTTAGAAGTACCCAGATTTGACAAAGAAAACCCTTTTGAAGGCCTG[G>C]ATGATATAAATCTGTGGATTCCTCTAAGTGAAAATCATGACATTTGGATAAAGACACTGA-3'
Protein context (NP_000042.3, residues 1780-1800): FDKENPFEGL[Asp1790His]DINLWIPLSE